The following is an entry in ClinVar:

NM_004525.3(LRP2):c.13010T>C (p.Ile4337Thr)

Gene: LRP2 (LDL receptor related protein 2; minus strand). Cytogenetic location: 2q31.1.
Variant type: single nucleotide variant.
Coding change: c.13010T>C on transcript NM_004525.3 (MANE Select); coding-DNA position 13010, T replaced by C.
Protein change: p.Ile4337Thr; replaces isoleucine 4337 with threonine.
Molecular consequence: missense variant.
Genome position (GRCh38, 1-based): chr2:169,142,772, A>G on the plus strand (T>C on the coding strand, the complement: LRP2 is on the minus strand). VCF-style: chr2-169142772-A-G. GRCh37 (hg19) VCF-style: chr2-169999282-A-G.
Other names: c.13010T>C (NM_004525.2); short protein forms I4337T.
Identifiers: ClinVar variation 2044770 (VCV002044770.3), dbSNP rs1395550900, ClinGen allele CA349125380.

ClinVar aggregate classification (germline): Uncertain significance. Review status: criteria provided, multiple submitters, no conflicts (2 of 4 stars). 3 submissions from 3 submitters: Uncertain significance (3). Last evaluated 2024-05-30.

Conditions:
Donnai-Barrow syndrome. Also called: DBS/FOAR SYNDROME; FACIOOCULOACOUSTICORENAL SYNDROME. Identifiers: Orphanet 2143, MedGen C1857277, MONDO:0009104, OMIM 222448.
Inborn genetic diseases. Identifiers: MedGen C0950123, MeSH D030342.

Allele frequency attached by ClinVar (database versions not stated): gnomAD 0.00001; TOPMed 0.00005.
gnomAD v4.1: 7 of 1,613,934 alleles (0.00043%); highest among the groups gnomAD compares: Admixed American, 0.01%; no homozygotes.

Submissions (3):

Ambry Genetics
Classification: Uncertain significance for Inborn genetic diseases. Last evaluated: 2024-05-30. Review status: criteria provided, single submitter. Criteria: Ambry Variant Classification Scheme 2023. Collection method: clinical testing. Allele origin: germline.

Fulgent Genetics
Classification: Uncertain significance for Donnai-Barrow syndrome. Last evaluated: 2024-02-15. Review status: criteria provided, single submitter. Criteria: ACMG Guidelines, 2015. Collection method: clinical testing. Allele origin: germline.

Labcorp Genetics (formerly Invitae), Labcorp
Classification: Uncertain significance. Last evaluated: 2022-10-24. Review status: criteria provided, single submitter. Criteria: Invitae Variant Classification Sherloc (09022015). Collection method: clinical testing. Allele origin: germline.
Comment: This sequence change replaces isoleucine, which is neutral and non-polar, with threonine, which is neutral and polar, at codon 4337 of the LRP2 protein (p.Ile4337Thr). This variant is present in population databases (no rsID available, gnomAD 0.009%). This variant has not been reported in the literature in individuals affected with LRP2-related conditions. Advanced modeling of protein sequence and biophysical properties (such as structural, functional, and spatial information, amino acid conservation, physicochemical variation, residue mobility, and thermodynamic stability) performed at Invitae indicates that this missense variant is not expected to disrupt LRP2 protein function. In summary, the available evidence is currently insufficient to determine the role of this variant in disease. Therefore, it has been classified as a Variant of Uncertain Significance.